The following is an entry in ClinVar:

ClinVar aggregate classification (germline): Uncertain significance (1 of 4 stars; one submission).

Conditions:
DiGeorge syndrome. Also called: Catch22; THIRD AND FOURTH PHARYNGEAL POUCH SYNDROME. Identifiers: Orphanet 567, MedGen C0012236, MONDO:0008564, OMIM 188400.

Submission:

Labcorp Genetics (formerly Invitae), Labcorp
Classification: Uncertain significance for DiGeorge syndrome. Last evaluated: 2023-08-10. Review status: criteria provided, single submitter. Criteria: Invitae Variant Classification Sherloc (09022015). Collection method: clinical testing. Allele origin: unknown.
Comment: Experimental studies and prediction algorithms are not available or were not evaluated, and the functional significance of this variant is currently unknown. This variant is a gross deletion of the genomic region encompassing exon(s) 7-9 of the TBX1 gene, which includes the termination codon. This deletion extends beyond the assayed region for this gene and therefore may encompass additional genes. While this deletion is not anticipated to lead to nonsense mediated decay, it is expected to alter mRNA translation or result in a truncated protein product. This variant has not been reported in the literature in individuals affected with TBX1-related conditions. In summary, the available evidence is currently insufficient to determine the role of this variant in disease. Therefore, it has been classified as a Variant of Uncertain Significance.

NC_000022.10:g.(?_19753261)_(19754390_?)del

Gene: TBX1 (T-box transcription factor 1; plus strand). Cytogenetic location: 22q11.21.
Variant type: Deletion.
Identifiers: ClinVar variation 3247016 (VCV003247016.1).